The following is an entry in ClinVar:

NM_024642.5(GALNT12):c.1331G>T (p.Gly444Val)

Gene: GALNT12 (polypeptide N-acetylgalactosaminyltransferase 12; plus strand). Cytogenetic location: 9q22.33.
Variant type: single nucleotide variant.
Coding change: c.1331G>T on transcript NM_024642.5 (MANE Select); coding-DNA position 1331, G replaced by T.
Protein change: p.Gly444Val; replaces glycine 444 with valine.
Molecular consequence: missense variant.
Genome position (GRCh38, 1-based): chr9:98,840,120, G>T. VCF-style: chr9-98840120-G-T. GRCh37 (hg19) VCF-style: chr9-101602402-G-T.
Other names: short protein forms G444V.
Identifiers: ClinVar variation 1491878 (VCV001491878.8), dbSNP rs2118470572, ClinGen allele CA374221136.

ClinVar aggregate classification (germline): Uncertain significance (1 of 4 stars; one submission).

Submission:

Labcorp Genetics (formerly Invitae), Labcorp
Classification: Uncertain significance. Last evaluated: 2020-12-07. Review status: criteria provided, single submitter. Criteria: Invitae Variant Classification Sherloc (09022015). Collection method: clinical testing. Allele origin: germline.
Comment: Algorithms developed to predict the effect of missense changes on protein structure and function are either unavailable or do not agree on the potential impact of this missense change (SIFT: "Deleterious"; PolyPhen-2: "Probably Damaging"; Align-GVGD: "Class C0"). In summary, the available evidence is currently insufficient to determine the role of this variant in disease. Therefore, it has been classified as a Variant of Uncertain Significance. This variant has not been reported in the literature in individuals with GALNT12-related conditions. This variant is not present in population databases (ExAC no frequency). This sequence change replaces glycine with valine at codon 444 of the GALNT12 protein (p.Gly444Val). The glycine residue is highly conserved and there is a moderate physicochemical difference between glycine and valine.